The following is an entry in ClinVar:

NM_006015.6(ARID1A):c.5965C>T (p.Arg1989Ter)

Gene: ARID1A (AT-rich interaction domain 1A; plus strand). Cytogenetic location: 1p36.11.
Variant type: single nucleotide variant.
Coding change: c.5965C>T on transcript NM_006015.6 (MANE Select); coding-DNA position 5965, C replaced by T.
Protein change: p.Arg1989Ter; replaces arginine 1989 with a stop codon.
Molecular consequence: nonsense.
Genome position (GRCh38, 1-based): chr1:26,779,863, C>T. VCF-style: chr1-26779863-C-T. GRCh37 (hg19) VCF-style: chr1-27106354-C-T.
Other names: c.5965C>T (LRG_875t1); c.5314C>T, p.Arg1772Ter (NM_139135.4); short protein forms R1989*, R1772*.
Identifiers: ClinVar variation 225842 (VCV000225842.4), dbSNP rs879255270, ClinGen allele CA10576101.

ClinVar aggregate classification (germline): Pathogenic. Review status: criteria provided, single submitter (1 of 4 stars). 2 submissions from 2 submitters: Pathogenic (1). 1 of the submissions does not count toward it. Last evaluated 2024-01-17.
ClinVar aggregate classification (oncogenicity): Oncogenic (1 of 4 stars; one submission).

Conditions:
Intellectual disability, autosomal dominant 14 (CSS2). Also called: COFFIN-SIRIS SYNDROME 2. Identifiers: Orphanet 1465, MedGen C3553247, MONDO:0013819, OMIM 614607.
Neoplasm. Also called: Neoplasms; Neoplasm (disease); tumor. Identifiers: MedGen C0027651, MeSH D009369, MONDO:0005070, HP:0002664.

Submissions (3):

Center for Genomic Medicine, Rigshospitalet, Copenhagen University Hospital
Classification: Oncogenic for Neoplasm. Last evaluated: 2025-03-04. Review status: criteria provided, single submitter. Criteria: ClinGen/CGC/VICC Guidelines for Oncogenicity, 2022. Collection method: clinical testing. Allele origin: somatic. Affected: yes.

GeneDx
Classification: Pathogenic. Last evaluated: 2024-01-17. Review status: criteria provided, single submitter. Criteria: GeneDx Variant Classification Process June 2021. Collection method: clinical testing. Allele origin: germline. Affected: yes.
Comment: Nonsense variant predicted to result in protein truncation, as the last 297 amino acids are lost, and other loss-of-function variants have been reported downstream in HGMD; Not observed at significant frequency in large population cohorts (gnomAD); This variant is associated with the following publications: (PMID: 28135719, 31785789, 23906836, 31278258, 35579625)

OMIM
Classification: Pathogenic for COFFIN-SIRIS SYNDROME 2, SOMATIC MOSAIC. Last evaluated: 2013-12-20. Review status: no assertion criteria provided. Collection method: literature only. Allele origin: somatic. Not counted in ClinVar's aggregate classification.

Literature cited by the submitters: PubMed 29736026 (cited by Center for Genomic Medicine, Rigshospitalet, Copenhagen University Hospital); PubMed 23906836 (cited by OMIM).